The following is an entry in ClinVar:

ClinVar aggregate classification (germline): Benign/Likely benign. Review status: criteria provided, multiple submitters, no conflicts (2 of 4 stars). 10 submissions from 10 submitters: Benign (6); Likely benign (3). 1 of the submissions does not count toward it. Last evaluated 2026-01-28.

Conditions:
Pelizaeus-Merzbacher disease. Also called: Sudanophilic leukodystrophy; Pelizaeus-Merzbacher spectrum disorder; Pelizaeus-Merzbacher Disease (PMD); Pelizeaus-Merzbacher spectrum disorder; LEUKODYSTROPHY, HYPOMYELINATING, 1. Identifiers: Orphanet 702, MedGen C0205711, MONDO:0010714, OMIM 312080, HP:0003269.
Hereditary spastic paraplegia 2 (SPG2). Also called: Spastic Paraplegia 2 (SPG2); SPASTIC PARAPLEGIA 2, X-LINKED. Identifiers: Orphanet 99015, MedGen C0751604, MONDO:0010733, OMIM 312920.
PLP1-related disorder. Also called: PLP1-Related Disorders; PLP1-related condition. Identifiers: MedGen CN378767.
Inborn genetic diseases. Identifiers: MedGen C0950123, MeSH D030342.

Allele frequency attached by ClinVar (database versions not stated): ESP Exome Variant Server 0.00019; gnomAD exomes 0.00141 and 0.00347; gnomAD 0.00150 and 0.00174; TOPMed 0.00235; ExAC 0.00333; 1000 Genomes Project 30x 0.00687; 1000 Genomes Project 0.00689.
gnomAD v4.1: 1,775 of 1,207,098 alleles (0.15%); highest among the groups gnomAD compares: East Asian, 2.2%; 10 homozygotes.

Submissions (10):

Labcorp Genetics (formerly Invitae), Labcorp
Classification: Benign for Hereditary spastic paraplegia 2. Last evaluated: 2026-01-28. Review status: criteria provided, single submitter. Criteria: Invitae Variant Classification Sherloc (09022015). Collection method: clinical testing. Allele origin: germline.

Women's Health and Genetics/Laboratory Corporation of America, LabCorp
Classification: Benign. Last evaluated: 2025-11-12. Review status: criteria provided, single submitter. Criteria: LabCorp Variant Classification Summary - May 2015. Collection method: clinical testing. Allele origin: germline.

Athena Diagnostics
Classification: Benign. Last evaluated: 2024-12-12. Review status: criteria provided, single submitter. Criteria: Athena Diagnostics Criteria. Collection method: clinical testing. Allele origin: unknown.
Comment: The frequency of this variant in the general population is higher than would generally be expected for pathogenic variants in this gene.

Blueprint Genetics
Classification: Likely benign. Last evaluated: 2024-11-28. Review status: criteria provided, single submitter. Criteria: ACMG Guidelines, 2015. Collection method: clinical testing. Allele origin: germline.

Fulgent Genetics
Classification: Benign for Pelizaeus-Merzbacher disease; Hereditary spastic paraplegia 2. Last evaluated: 2021-07-07. Review status: criteria provided, single submitter. Criteria: ACMG Guidelines, 2015. Collection method: clinical testing. Allele origin: unknown.

Mayo Clinic Laboratories, Mayo Clinic
Classification: Benign. Last evaluated: 2018-08-15. Review status: criteria provided, single submitter. Criteria: ACMG Guidelines, 2015. Collection method: clinical testing. Allele origin: germline. Observed: 9 variant alleles.

Ambry Genetics
Classification: Likely benign for Inborn genetic diseases. Last evaluated: 2014-11-25. Review status: criteria provided, single submitter. Criteria: Ambry Variant Classification Scheme 2023. Collection method: clinical testing. Allele origin: germline.

Genetic Services Laboratory, University of Chicago
Classification: Benign for AllHighlyPenetrant. Last evaluated: 2013-08-07. Review status: criteria provided, single submitter. Criteria: ACMG Guidelines, 2007. Collection method: clinical testing. Allele origin: germline. Inheritance: X-linked inheritance.

Breakthrough Genomics
Classification: Likely benign. Review status: criteria provided, single submitter. Criteria: ACMG Guidelines, 2015. Collection method: not provided. Allele origin: germline. Inheritance: X-linked inheritance. Affected: yes.

PreventionGenetics, part of Exact Sciences
Classification: Benign for PLP1-related condition. Last evaluated: 2019-07-01. Review status: no assertion criteria provided. Collection method: clinical testing. Allele origin: germline. Not counted in ClinVar's aggregate classification.
Comment: This variant is classified as benign based on ACMG/AMP sequence variant interpretation guidelines (Richards et al. 2015 PMID: 25741868, with internal and published modifications).

Literature cited by the submitters: PubMed 15694262 (cited by Athena Diagnostics); PubMed 10319885 (cited by Athena Diagnostics).

NM_000533.5(PLP1):c.168A>G (p.Gln56=)

Genes: PLP1 (proteolipid protein 1; plus strand), RAB9B (RAB9B, member RAS oncogene family; minus strand). Cytogenetic location: Xq22.2.
Variant type: single nucleotide variant.
Coding change: c.168A>G on transcript NM_000533.5 (MANE Select); coding-DNA position 168, A replaced by G.
Protein change: p.Gln56=; no amino-acid change (glutamine 56 retained).
Molecular consequence: synonymous variant. On other transcripts: splice acceptor variant (1).
Genome position (GRCh38, 1-based): chrX:103,785,745, A>G. VCF-style: chrX-103785745-A-G. GRCh37 (hg19) VCF-style: chrX-103040674-A-G.
Other names: p.Gln56=; c.168A>G, p.Gln56= (NM_001128834.3, NM_199478.3); c.5-2A>G (NM_001305004.1).
Identifiers: ClinVar variation 129975 (VCV000129975.30), dbSNP rs2233697, ClinGen allele CA331908.